The following is an entry in ClinVar:

ClinVar aggregate classification (germline): Pathogenic (1 of 4 stars; one submission).

gnomAD v4.1: 1 of 1,613,958 alleles (0.000062%); highest among the groups gnomAD compares: South Asian, 0.0011%; no homozygotes.

Submission:

Labcorp Genetics (formerly Invitae), Labcorp
Classification: Pathogenic. Last evaluated: 2025-04-01. Review status: criteria provided, single submitter. Criteria: Invitae Variant Classification Sherloc (09022015). Collection method: clinical testing. Allele origin: germline.
Comment: This sequence change creates a premature translational stop signal (p.Gln317*) in the ADGRV1 gene. It is expected to result in an absent or disrupted protein product. Loss-of-function variants in ADGRV1 are known to be pathogenic (PMID: 19357117, 22135276, 22147658, 26226137, 30718709, 31047384, 32467589). This variant is present in population databases (no rsID available, gnomAD 0.003%). This variant has not been reported in the literature in individuals affected with ADGRV1-related conditions. For these reasons, this variant has been classified as Pathogenic.

Literature cited by the submitters: PubMed 19357117; PubMed 22135276; PubMed 22147658; PubMed 26226137; PubMed 30718709; PubMed 31047384; PubMed 32467589.

NM_032119.4(ADGRV1):c.949C>T (p.Gln317Ter)

Gene: ADGRV1 (adhesion G protein-coupled receptor V1; plus strand). Cytogenetic location: 5q14.3.
Variant type: single nucleotide variant.
Coding change: c.949C>T on transcript NM_032119.4 (MANE Select); coding-DNA position 949, C replaced by T.
Protein change: p.Gln317Ter; replaces glutamine 317 with a stop codon.
Molecular consequence: nonsense. On other transcripts: non-coding transcript variant (1).
Genome position (GRCh38, 1-based): chr5:90,627,487, C>T. VCF-style: chr5-90627487-C-T. GRCh37 (hg19) VCF-style: chr5-89923304-C-T.
Other names: short protein forms Q317*.
Identifiers: ClinVar variation 4710730 (VCV004710730.1).
Genomic context (GRCh38, chr5:90,627,487, plus strand): 5'-GATGAATATGAGGTTTCAATCAGTTATGCTGTCACAACTGGGAATTCCACAGCACATGCC[C>T]AGCAAAATCTGGACTTCATTGATCTTCAGCCAAACACAACTGTTGTTTTTCCACCTTTTA-3'